The following is an entry in ClinVar:

NM_001379500.1(COL18A1):c.799-6C>T

Gene: COL18A1 (collagen type XVIII alpha 1 chain; plus strand). Cytogenetic location: 21q22.3.
Variant type: single nucleotide variant.
Coding change: c.799-6C>T on transcript NM_001379500.1 (MANE Select); 6 bases into the intron before coding-DNA position 799, C replaced by T.
Molecular consequence: intron variant.
Genome position (GRCh38, 1-based): chr21:45,476,345, C>T. VCF-style: chr21-45476345-C-T. GRCh37 (hg19) VCF-style: chr21-46896259-C-T.
Other names: c.2044-6C>T (NM_130444.3); c.1339-6C>T (NM_030582.4).
Identifiers: ClinVar variation 2664684 (VCV002664684.4), dbSNP rs1286921439, ClinGen allele CA638496974.

ClinVar aggregate classification (germline): Likely benign. Review status: criteria provided, single submitter (1 of 4 stars). 2 submissions from 2 submitters: Likely benign (1). 1 of the submissions does not count toward it. Last evaluated 2023-11-27.

Conditions:
Knobloch syndrome 1 (KNO1). Identifiers: MedGen C4551775, MONDO:0800167, OMIM 267750.

Allele frequency attached by ClinVar (database versions not stated): gnomAD exomes 0.00001; gnomAD 0.00003; TOPMed 0.00005.
gnomAD v4.1: 22 of 1,613,822 alleles (0.0014%); highest among the groups gnomAD compares: Admixed American, 0.017%; no homozygotes.

Submissions (2):

Labcorp Genetics (formerly Invitae), Labcorp
Classification: Likely benign. Last evaluated: 2023-11-27. Review status: criteria provided, single submitter. Criteria: Invitae Variant Classification Sherloc (09022015). Collection method: clinical testing. Allele origin: germline.

Department of Biotechnology and Genetic Engineering, Kohat University of Science and Technology
Classification: Uncertain significance for Knobloch syndrome 1. Last evaluated: 2023-11-14. Review status: no assertion criteria provided. Collection method: research. Allele origin: germline. Inheritance: Autosomal recessive inheritance. Affected: yes and no. Observed: 13 variant alleles, 6 heterozygotes, 7 homozygotes. Not counted in ClinVar's aggregate classification.
Comment: Based on ACMG criteria, the variant 799-6C>T is predicted as a Variant of Uncertain Significance (VUS). Segregation analysis corroborated a causal link between the VUS within the COL18A1 gene and disease features within a Pakistani family. This variant consistently manifested as a recessive allele in affected family members and was never observed in a homozygous state within the control population database. The rarity of this variant in its monoallelic status in GnomAD and 1000 Genomes (MAF =0.00003) emphasizes its pathogenic potential role of an autosomal recessive disorder.